The following is an entry in ClinVar:

NM_006912.6(RIT1):c.172T>G (p.Tyr58Asp)

Gene: RIT1 (Ras like without CAAX 1; minus strand). Cytogenetic location: 1q22.
Variant type: single nucleotide variant.
Coding change: c.172T>G on transcript NM_006912.6 (MANE Select); coding-DNA position 172, T replaced by G.
Protein change: p.Tyr58Asp; replaces tyrosine 58 with aspartic acid.
Molecular consequence: missense variant.
Genome position (GRCh38, 1-based): chr1:155,904,796, A>C on the plus strand (T>G on the coding strand, the complement: RIT1 is on the minus strand). VCF-style: chr1-155904796-A-C. GRCh37 (hg19) VCF-style: chr1-155874587-A-C.
Other names: c.64T>G, p.Tyr22Asp (NM_001256820.2); c.223T>G, p.Tyr75Asp (NM_001256821.2); short protein forms Y22D, Y58D, Y75D.
Identifiers: ClinVar variation 3252480 (VCV003252480.1), dbSNP rs2527182426.

ClinVar aggregate classification (germline): Uncertain significance (1 of 4 stars; one submission).

Submission:

GeneDx
Classification: Uncertain significance. Last evaluated: 2023-12-07. Review status: criteria provided, single submitter. Criteria: GeneDx Variant Classification Process June 2021. Collection method: clinical testing. Allele origin: germline. Affected: yes.
Comment: Not observed at significant frequency in large population cohorts (gnomAD); In silico analysis supports that this missense variant has a deleterious effect on protein structure/function; Has not been previously published as pathogenic or benign to our knowledge